The following is an entry in ClinVar:

NM_004446.3(EPRS1):c.2747G>A (p.Arg916Gln)

Gene: EPRS1 (glutamyl-prolyl-tRNA synthetase 1; minus strand). Cytogenetic location: 1q41.
Variant type: single nucleotide variant.
Coding change: c.2747G>A on transcript NM_004446.3 (MANE Select); coding-DNA position 2747, G replaced by A.
Protein change: p.Arg916Gln; replaces arginine 916 with glutamine.
Molecular consequence: missense variant.
Genome position (GRCh38, 1-based): chr1:219,988,618, C>T on the plus strand (G>A on the coding strand, the complement: EPRS1 is on the minus strand). VCF-style: chr1-219988618-C-T. GRCh37 (hg19) VCF-style: chr1-220161960-C-T.
Other names: short protein forms R916Q.
Identifiers: ClinVar variation 1680924 (VCV001680924.8), dbSNP rs761131320, ClinGen allele CA1399897.

ClinVar aggregate classification (germline): Conflicting classifications of pathogenicity. Review status: criteria provided, conflicting classifications (1 of 4 stars). 3 submissions from 3 submitters: Uncertain significance (2); Likely benign (1). Last evaluated 2024-09-20.

Conditions:
Leukodystrophy, hypomyelinating, 15. Identifiers: MedGen C4693733, MONDO:0054782, OMIM 617951.

gnomAD v4.1: 54 of 1,613,044 alleles (0.0033%); highest among the groups gnomAD compares: South Asian, 0.0044%; no homozygotes.

Submissions (3):

3billion
Classification: Likely benign for Leukodystrophy, hypomyelinating, 15. Last evaluated: 2024-09-20. Review status: criteria provided, single submitter. Criteria: ACMG Guidelines, 2015. Collection method: clinical testing. Allele origin: germline. Affected: no.
Comment: The homozygous variant was found in patients diagnosed with another variant in a different gene, with no symptoms related to the gene containing the homozygous variant.

Labcorp Genetics (formerly Invitae), Labcorp
Classification: Uncertain significance. Last evaluated: 2023-12-11. Review status: criteria provided, single submitter. Criteria: Invitae Variant Classification Sherloc (09022015). Collection method: clinical testing. Allele origin: germline.
Comment: This sequence change replaces arginine, which is basic and polar, with glutamine, which is neutral and polar, at codon 916 of the EPRS protein (p.Arg916Gln). This variant is present in population databases (rs761131320, gnomAD 0.003%). This variant has not been reported in the literature in individuals affected with EPRS-related conditions. ClinVar contains an entry for this variant (Variation ID: 1680924). An algorithm developed to predict the effect of missense changes on protein structure and function (PolyPhen-2) suggests that this variant is likely to be disruptive. In summary, the available evidence is currently insufficient to determine the role of this variant in disease. Therefore, it has been classified as a Variant of Uncertain Significance.

Victorian Clinical Genetics Services, Murdoch Childrens Research Institute
Classification: Uncertain significance for Leukodystrophy, hypomyelinating, 15. Last evaluated: 2021-05-06. Review status: criteria provided, single submitter. Criteria: ACMG Guidelines, 2015. Collection method: clinical testing. Allele origin: germline. Inheritance: Autosomal recessive inheritance. Affected: yes.
Comment: Based on the classification scheme VCGS_Germline_v1.3.4, this variant is classified as VUS-3A. Following criteria are met: 0102 - Loss of function is a known mechanism of disease in this gene and is associated with hypomyelinating leukodystrophy 15 (MIM#617951). (I) 0106 - This gene is associated with autosomal recessive disease. (I) 0200 - Variant is predicted to result in a missense amino acid change from arginine to glutamine. (I) 0252 - This variant is homozygous. (I) 0304 - Variant is present in gnomAD (v2) <0.01 for a recessive condition (4 heterozygotes, 0 homozygotes). (SP) 0309 - Alternative amino acid changes at the same position have been observed in gnomAD (v2) (3 heterozygotes, 0 homozygotes). (I) 0502 - Missense variant with conflicting in silico predictions and very high conservation. (I) 0600 - Variant is located in the annotated WEPRS RNA binding domain (NCBI). (I) 0705 - No comparable missense variants have previous evidence for pathogenicity. (I) 0807 - This variant has no previous evidence of pathogenicity. (I) 0905 - No published segregation evidence has been identified for this variant. (I) 1007 - No published functional evidence has been identified for this variant. (I) 1102 - Strong phenotype match for this individual. (I) Legend: (SP) - Supporting pathogenic, (I) - Information, (SB) - Supporting benign